The following is an entry in ClinVar:

ClinVar aggregate classification (germline): Likely pathogenic (1 of 4 stars; one submission).

Conditions:
Catecholaminergic polymorphic ventricular tachycardia 1. Also called: VENTRICULAR TACHYCARDIA, CATECHOLAMINERGIC POLYMORPHIC, 1, WITH OR WITHOUT ATRIAL DYSFUNCTION AND/OR DILATED CARDIOMYOPATHY; RYR2-Related Catecholaminergic Polymorphic Ventricular Tachycardia; VENTRICULAR TACHYCARDIA, STRESS-INDUCED POLYMORPHIC 1. Identifiers: Orphanet 3286, MedGen C1631597, MONDO:0011484, OMIM 604772.

Submission:

Labcorp Genetics (formerly Invitae), Labcorp
Classification: Likely pathogenic for Catecholaminergic polymorphic ventricular tachycardia 1. Last evaluated: 2021-11-12. Review status: criteria provided, single submitter. Criteria: Invitae Variant Classification Sherloc (09022015). Collection method: clinical testing. Allele origin: germline.
Comment: In summary, the currently available evidence indicates that the variant is pathogenic, but additional data are needed to prove that conclusively. Therefore, this variant has been classified as Likely Pathogenic. This variant disrupts the p.His4742 amino acid residue in RYR2. Other variant(s) that disrupt this residue have been determined to be pathogenic (PMID: 31112425; Invitae). This suggests that this residue is clinically significant, and that variants that disrupt this residue are likely to be disease-causing. Advanced modeling of protein sequence and biophysical properties (such as structural, functional, and spatial information, amino acid conservation, physicochemical variation, residue mobility, and thermodynamic stability) performed at Invitae indicates that this missense variant is expected to disrupt RYR2 protein function. This variant has not been reported in the literature in individuals affected with RYR2-related conditions. This variant is not present in population databases (gnomAD no frequency). This sequence change replaces histidine, which is basic and polar, with glutamine, which is neutral and polar, at codon 4742 of the RYR2 protein (p.His4742Gln).

Literature cited by the submitters: PubMed 31112425.

NM_001035.3(RYR2):c.14226C>A (p.His4742Gln)

Gene: RYR2 (ryanodine receptor 2; plus strand). Cytogenetic location: 1q43.
Variant type: single nucleotide variant.
Coding change: c.14226C>A on transcript NM_001035.3 (MANE Select); coding-DNA position 14226, C replaced by A.
Protein change: p.His4742Gln; replaces histidine 4742 with glutamine.
Molecular consequence: missense variant.
Genome position (GRCh38, 1-based): chr1:237,806,211, C>A. VCF-style: chr1-237806211-C-A. GRCh37 (hg19) VCF-style: chr1-237969511-C-A.
Other names: short protein forms H4742Q.
Identifiers: ClinVar variation 1480185 (VCV001480185.7), dbSNP rs2149437622, ClinGen allele CA345423041.